The following is an entry in ClinVar:

ClinVar aggregate classification (germline): Uncertain significance (1 of 4 stars; one submission).

Conditions:
CHARGE syndrome (CHARGE). Also called: Hittner Hirsch Kreh syndrome; CHARGE ASSOCIATION--COLOBOMA, HEART ANOMALY, CHOANAL ATRESIA, RETARDATION, GENITAL AND EAR ANOMALIES; Coloboma, heart anomaly, choanal atresia, retardation, genital and ear anomalies; CHARGE association; Hall-Hittner syndrome. Identifiers: Orphanet 138, MedGen C0265354, MONDO:0008965.

Submission:

Labcorp Genetics (formerly Invitae), Labcorp
Classification: Uncertain significance for CHARGE syndrome. Last evaluated: 2023-10-15. Review status: criteria provided, single submitter. Criteria: Invitae Variant Classification Sherloc (09022015). Collection method: clinical testing. Allele origin: germline.
Comment: This sequence change replaces glycine, which is neutral and non-polar, with valine, which is neutral and non-polar, at codon 2752 of the CHD7 protein (p.Gly2752Val). This variant is not present in population databases (gnomAD no frequency). This variant has not been reported in the literature in individuals affected with CHD7-related conditions. Advanced modeling of protein sequence and biophysical properties (such as structural, functional, and spatial information, amino acid conservation, physicochemical variation, residue mobility, and thermodynamic stability) has been performed at Invitae for this missense variant, however the output from this modeling did not meet the statistical confidence thresholds required to predict the impact of this variant on CHD7 protein function. In summary, the available evidence is currently insufficient to determine the role of this variant in disease. Therefore, it has been classified as a Variant of Uncertain Significance.

NM_017780.4(CHD7):c.8255G>T (p.Gly2752Val)

Gene: CHD7 (chromodomain helicase DNA binding protein 7; plus strand). Cytogenetic location: 8q12.2.
Variant type: single nucleotide variant.
Coding change: c.8255G>T on transcript NM_017780.4 (MANE Select); coding-DNA position 8255, G replaced by T.
Protein change: p.Gly2752Val; replaces glycine 2752 with valine.
Molecular consequence: missense variant.
Genome position (GRCh38, 1-based): chr8:60,865,194, G>T. VCF-style: chr8-60865194-G-T. GRCh37 (hg19) VCF-style: chr8-61777753-G-T.
Other names: c.2108G>T, p.Gly703Val (NM_001316690.1); short protein forms G2752V, G703V.
Identifiers: ClinVar variation 2768744 (VCV002768744.3), dbSNP rs2488144379, ClinGen allele CA371307964.